The following is an entry in ClinVar:

ClinVar aggregate classification (germline): Uncertain significance (1 of 4 stars; one submission).

Submission:

Women's Health and Genetics/Laboratory Corporation of America, LabCorp
Classification: Uncertain significance. Last evaluated: 2024-03-18. Review status: criteria provided, single submitter. Criteria: LabCorp Variant Classification Summary - May 2015. Collection method: clinical testing. Allele origin: germline.
Comment: Variant summary: PPP2R5D c.1428G>A (p.Met476Ile) results in a conservative amino acid change in the encoded protein sequence. Four of five in-silico tools predict a benign effect of the variant on protein function. The variant was absent in 251492 control chromosomes (gnomAD). The available data on variant occurrences in the general population are insufficient to allow any conclusion about variant significance. To our knowledge, no occurrence of c.1428G>A in individuals affected with Intellectual Disability-Macrocephaly Abnormalities Syndrome and no experimental evidence demonstrating its impact on protein function have been reported. No submitters have cited clinical-significance assessments for this variant to ClinVar. Based on the evidence outlined above, the variant was classified as uncertain significance.

NM_006245.4(PPP2R5D):c.1428G>A (p.Met476Ile)

Gene: PPP2R5D (protein phosphatase 2 regulatory subunit B'delta; plus strand). Cytogenetic location: 6p21.1.
Variant type: single nucleotide variant.
Coding change: c.1428G>A on transcript NM_006245.4 (MANE Select); coding-DNA position 1428, G replaced by A.
Protein change: p.Met476Ile; replaces methionine 476 with isoleucine.
Molecular consequence: missense variant.
Genome position (GRCh38, 1-based): chr6:43,010,516, G>A. VCF-style: chr6-43010516-G-A. GRCh37 (hg19) VCF-style: chr6-42978254-G-A.
Other names: c.975G>A, p.Met325Ile (NM_001270476.2); c.1332G>A, p.Met444Ile (NM_180976.3); c.1110G>A, p.Met370Ile (NM_180977.3); short protein forms M325I, M370I, M444I, M476I.
Identifiers: ClinVar variation 3233898 (VCV003233898.2), dbSNP rs940539267, ClinGen allele CA364141761.